The following is an entry in ClinVar:

ClinVar aggregate classification (germline): Benign (0 of 4 stars; one submission).

Conditions:
QRICH2-related disorder. Also called: QRICH2-related condition.

Allele frequency attached by ClinVar (database versions not stated): gnomAD exomes 0.30929; ExAC 0.34908; gnomAD 0.40577; ESP Exome Variant Server 0.41604; TOPMed 0.42377; 1000 Genomes Project 0.46945; 1000 Genomes Project 30x 0.47096.
gnomAD v4.1: 515,093 of 1,613,538 alleles (32%); highest among the groups gnomAD compares: African/African-American, 66%; 89,937 homozygotes.

Submission:

PreventionGenetics, part of Exact Sciences
Classification: Benign for QRICH2-related condition. Last evaluated: 2019-10-18. Review status: no assertion criteria provided. Collection method: clinical testing. Allele origin: germline.
Comment: This variant is classified as benign based on ACMG/AMP sequence variant interpretation guidelines (Richards et al. 2015 PMID: 25741868, with internal and published modifications).

NM_001388453.1(QRICH2):c.900T>C (p.Ser300=)

Gene: QRICH2 (glutamine rich 2; minus strand). Cytogenetic location: 17q25.1.
Variant type: single nucleotide variant.
Coding change: c.900T>C on transcript NM_001388453.1 (MANE Select); coding-DNA position 900, T replaced by C.
Protein change: p.Ser300=; no amino-acid change (serine 300 retained).
Molecular consequence: synonymous variant.
Genome position (GRCh38, 1-based): chr17:76,293,827, A>G on the plus strand (T>C on the coding strand, the complement: QRICH2 is on the minus strand). VCF-style: chr17-76293827-A-G. GRCh37 (hg19) VCF-style: chr17-74289908-A-G.
Other names: c.900T>C, p.Ser300= (NM_032134.3).
Identifiers: ClinVar variation 3060041 (VCV003060041.2), dbSNP rs6501883, ClinGen allele CA8784398.
Genomic context (GRCh38, chr17:76,293,827, plus strand): 5'-ATCACGGGCCCTCGGCTGCTGCTGTCTCCCAGTACCAGAGGGGACCTTGCTTTGTTCCCT[A>G]CTGGAAACCCCATCAGAGGGGTGTGCTGTGCCACCAGATCCTGATGCAGTCCGATCCGGG-3'
Protein context (NP_001375382.1, residues 290-310): GTAHPSDGVS[Ser300=]REQSKVPSGT